The following is an entry in ClinVar:

ClinVar aggregate classification (germline): Uncertain significance. Review status: criteria provided, multiple submitters, no conflicts (2 of 4 stars). 2 submissions from 2 submitters: Uncertain significance (2). Last evaluated 2024-05-09.

gnomAD v4.1: 145 of 1,614,186 alleles (0.009%); highest among the groups gnomAD compares: African/African-American, 0.1%; no homozygotes.

Submissions (2):

Ambry Genetics
Classification: Uncertain significance. Last evaluated: 2024-05-09. Review status: criteria provided, single submitter. Criteria: Ambry Variant Classification Scheme 2023. Collection method: clinical testing. Allele origin: germline.

Labcorp Genetics (formerly Invitae), Labcorp
Classification: Uncertain significance. Last evaluated: 2024-01-28. Review status: criteria provided, single submitter. Criteria: Invitae Variant Classification Sherloc (09022015). Collection method: clinical testing. Allele origin: germline.
Comment: This sequence change replaces proline, which is neutral and non-polar, with alanine, which is neutral and non-polar, at codon 287 of the ADGRB2 protein (p.Pro287Ala). This variant is present in population databases (rs143228587, gnomAD 0.1%), and has an allele count higher than expected for a pathogenic variant. This variant has not been reported in the literature in individuals affected with ADGRB2-related conditions. An algorithm developed to predict the effect of missense changes on protein structure and function (PolyPhen-2) suggests that this variant is likely to be disruptive. In summary, the available evidence is currently insufficient to determine the role of this variant in disease. Therefore, it has been classified as a Variant of Uncertain Significance.

NM_001364857.2(ADGRB2):c.859C>G (p.Pro287Ala)

Gene: ADGRB2 (adhesion G protein-coupled receptor B2; minus strand). Cytogenetic location: 1p35.2.
Variant type: single nucleotide variant.
Coding change: c.859C>G on transcript NM_001364857.2 (MANE Select); coding-DNA position 859, C replaced by G.
Protein change: p.Pro287Ala; replaces proline 287 with alanine.
Molecular consequence: missense variant.
Genome position (GRCh38, 1-based): chr1:31,744,711, G>C on the plus strand (C>G on the coding strand, the complement: ADGRB2 is on the minus strand). VCF-style: chr1-31744711-G-C. GRCh37 (hg19) VCF-style: chr1-32210312-G-C.
Other names: c.859C>G (NM_001703.2); c.859C>G, p.Pro287Ala (NM_001294335.2, NM_001294336.2); short protein forms P287A.
Identifiers: ClinVar variation 3270573 (VCV003270573.3).